The following is an entry in ClinVar:

ClinVar aggregate classification (germline): Likely pathogenic. Review status: criteria provided, multiple submitters, no conflicts (2 of 4 stars). 2 submissions from 2 submitters: Likely pathogenic (2). Last evaluated 2021-05-28.

Conditions:
TAZ-related disorders.

Submissions (2):

Blueprint Genetics
Classification: Likely pathogenic for TAZ-related disorders. Last evaluated: 2021-05-28. Review status: criteria provided, single submitter. Criteria: ACMG Guidelines, 2015. Collection method: clinical testing. Allele origin: germline. Affected: yes. Observed: 1 variant allele.

GeneDx
Classification: Likely pathogenic. Last evaluated: 2019-04-11. Review status: criteria provided, single submitter. Criteria: GeneDx Variant Classification Process June 2021. Collection method: clinical testing. Allele origin: germline. Affected: yes.
Comment: Has not been previously published as pathogenic or benign to our knowledge; Not observed in large population cohorts (Lek et al., 2016); In silico analysis, which includes protein predictors and evolutionary conservation, supports a deleterious effect

NM_000116.5(TAFAZZIN):c.281G>C (p.Arg94Pro)

Gene: TAFAZZIN (tafazzin, phospholipid-lysophospholipid transacylase; plus strand). Cytogenetic location: Xq28.
Variant type: single nucleotide variant.
Coding change: c.281G>C on transcript NM_000116.5 (MANE Select); coding-DNA position 281, G replaced by C.
Protein change: p.Arg94Pro; replaces arginine 94 with proline.
Molecular consequence: missense variant. On other transcripts: non-coding transcript variant (1).
Genome position (GRCh38, 1-based): chrX:154,413,249, G>C. VCF-style: chrX-154413249-G-C. GRCh37 (hg19) VCF-style: chrX-153641586-G-C.
Other names: c.335G>C, p.Arg112Pro (NM_001303465.2); c.281G>C, p.Arg94Pro (NM_181311.4, NM_181312.4, NM_181313.4); short protein forms R112P, R94P.
Identifiers: ClinVar variation 1202910 (VCV001202910.4), dbSNP rs1060500044, ClinGen allele CA415180773.